The following is an entry in ClinVar:

NM_015512.5(DNAH1):c.6253A>G (p.Arg2085Gly)

Gene: DNAH1 (dynein axonemal heavy chain 1; plus strand). Cytogenetic location: 3p21.1.
Variant type: single nucleotide variant.
Coding change: c.6253A>G on transcript NM_015512.5 (MANE Select); coding-DNA position 6253, A replaced by G.
Protein change: p.Arg2085Gly; replaces arginine 2085 with glycine.
Molecular consequence: missense variant.
Genome position (GRCh38, 1-based): chr3:52,370,224, A>G. VCF-style: chr3-52370224-A-G. GRCh37 (hg19) VCF-style: chr3-52404240-A-G.
Other names: short protein forms R2085G.
Identifiers: ClinVar variation 970741 (VCV000970741.7), dbSNP rs772617206, ClinGen allele CA2434460.

ClinVar aggregate classification (germline): Uncertain significance (1 of 4 stars; one submission).

Conditions:
Spermatogenic failure 18. Identifiers: MedGen C4539783, MONDO:0054615, OMIM 617576.
Ciliary dyskinesia, primary, 37 (CILD37). Also called: CILIARY DYSKINESIA, PRIMARY, 37, WITH OR WITHOUT SITUS INVERSUS. Identifiers: MedGen C4539798, MONDO:0033204, OMIM 617577.

Allele frequency attached by ClinVar (database versions not stated): gnomAD exomes below 0.00001; TOPMed below 0.00001; ExAC 0.00001; gnomAD 0.00001.
gnomAD v4.1: 4 of 1,613,658 alleles (0.00025%); highest among the groups gnomAD compares: African/African-American, 0.004%; no homozygotes.

Submission:

Labcorp Genetics (formerly Invitae), Labcorp
Classification: Uncertain significance for Ciliary dyskinesia, primary, 37; Spermatogenic failure 18. Last evaluated: 2019-10-10. Review status: criteria provided, single submitter. Criteria: Invitae Variant Classification Sherloc (09022015). Collection method: clinical testing. Allele origin: germline.
Comment: This sequence change replaces arginine with glycine at codon 2085 of the DNAH1 protein (p.Arg2085Gly). The arginine residue is weakly conserved and there is a moderate physicochemical difference between arginine and glycine. This variant is present in population databases (rs772617206, ExAC 0.01%). This variant has not been reported in the literature in individuals with DNAH1-related conditions. Algorithms developed to predict the effect of missense changes on protein structure and function (SIFT, PolyPhen-2, Align-GVGD) all suggest that this variant is likely to be tolerated, but these predictions have not been confirmed by published functional studies and their clinical significance is uncertain. In summary, the available evidence is currently insufficient to determine the role of this variant in disease. Therefore, it has been classified as a Variant of Uncertain Significance.